The following is an entry in ClinVar:

NM_000179.3(MSH6):c.508C>T (p.Pro170Ser)

Gene: MSH6 (mutS homolog 6; plus strand). Cytogenetic location: 2p16.3.
Variant type: single nucleotide variant.
Coding change: c.508C>T on transcript NM_000179.3 (MANE Select); coding-DNA position 508, C replaced by T.
Protein change: p.Pro170Ser; replaces proline 170 with serine.
Molecular consequence: missense variant. On other transcripts: 5 prime UTR variant (1), intron variant (2).
Genome position (GRCh38, 1-based): chr2:47,795,944, C>T. VCF-style: chr2-47795944-C-T. GRCh37 (hg19) VCF-style: chr2-48023083-C-T.
Other names: c.-395C>T (NM_001281494.2); c.-279-2667C>T (NM_001281493.2); c.238-2667C>T (NM_001281492.2); short protein forms P170S.
Identifiers: ClinVar variation 237210 (VCV000237210.9), dbSNP rs878853748, ClinGen allele CA10582040.

ClinVar aggregate classification (germline): Conflicting classifications of pathogenicity. Review status: criteria provided, conflicting classifications (1 of 4 stars). 3 submissions from 3 submitters: Uncertain significance (2); Likely benign (1). Last evaluated 2025-12-11.

Conditions:
Hereditary nonpolyposis colorectal neoplasms. Identifiers: MedGen C0009405, MeSH D003123.
Hereditary cancer-predisposing syndrome. Also called: Hereditary neoplastic syndrome; Hereditary Cancer Syndrome; Neoplastic Syndromes, Hereditary; Tumor predisposition. Identifiers: Orphanet 140162, MedGen C0027672, MeSH D009386, MONDO:0015356.

gnomAD v4.1: 1 of 1,614,030 alleles (0.000062%); no homozygotes.

Submissions (3):

Ambry Genetics
Classification: Likely benign for Hereditary cancer-predisposing syndrome. Last evaluated: 2025-12-11. Review status: criteria provided, single submitter. Criteria: Ambry Variant Classification Scheme 2023. Collection method: clinical testing. Allele origin: germline.

Institute for Biomarker Research, Medical Diagnostic Laboratories, L.L.C.
Classification: Uncertain significance for Hereditary cancer-predisposing syndrome. Last evaluated: 2024-07-09. Review status: criteria provided, single submitter. Criteria: ACMG Guidelines, 2015. Collection method: clinical testing. Allele origin: germline.

Labcorp Genetics (formerly Invitae), Labcorp
Classification: Uncertain significance for Hereditary nonpolyposis colorectal neoplasms. Last evaluated: 2023-05-19. Review status: criteria provided, single submitter. Criteria: Invitae Variant Classification Sherloc (09022015). Collection method: clinical testing. Allele origin: germline.
Comment: In summary, the available evidence is currently insufficient to determine the role of this variant in disease. Therefore, it has been classified as a Variant of Uncertain Significance. Advanced modeling of protein sequence and biophysical properties (such as structural, functional, and spatial information, amino acid conservation, physicochemical variation, residue mobility, and thermodynamic stability) performed at Invitae indicates that this missense variant is not expected to disrupt MSH6 protein function. ClinVar contains an entry for this variant (Variation ID: 237210). This variant has not been reported in the literature in individuals affected with MSH6-related conditions. This variant is not present in population databases (gnomAD no frequency). This sequence change replaces proline, which is neutral and non-polar, with serine, which is neutral and polar, at codon 170 of the MSH6 protein (p.Pro170Ser).